The following is an entry in ClinVar:

ClinVar aggregate classification (germline): Benign/Likely benign. Review status: criteria provided, multiple submitters, no conflicts (2 of 4 stars). 8 submissions from 8 submitters: Benign (1); Likely benign (7). Last evaluated 2026-03-27.

Conditions:
Cardiovascular phenotype. Identifiers: MedGen CN230736.
Cardiac arrhythmia. Also called: Arrhythmia; Cardiac rhythm disease. Identifiers: MedGen C0003811, MONDO:0007263, HP:0011675.
Long QT syndrome (LQTS). Identifiers: MedGen C0023976, MeSH D008133, MONDO:0002442. Disease mechanism: loss of function. Inheritance: Various modes of inheritance.

Allele frequency attached by ClinVar (database versions not stated): gnomAD 0.00002 and 0.00003; TOPMed 0.00003; ExAC 0.00004; gnomAD exomes 0.00004; ESP Exome Variant Server 0.00008.
gnomAD v4.1: 71 of 1,579,904 alleles (0.0045%); highest among the groups gnomAD compares: Middle Eastern, 0.12%; no homozygotes.

Submissions (8):

Molecular Diagnostic Laboratory for Inherited Cardiovascular Disease, Montreal Heart Institute
Classification: Likely benign. Last evaluated: 2026-03-27. Review status: criteria provided, single submitter. Criteria: ACMG Guidelines, 2015. Collection method: clinical testing. Allele origin: germline. Affected: no.

Labcorp Genetics (formerly Invitae), Labcorp
Classification: Likely benign for Long QT syndrome. Last evaluated: 2025-10-01. Review status: criteria provided, single submitter. Criteria: Invitae Variant Classification Sherloc (09022015). Collection method: clinical testing. Allele origin: germline.

Blueprint Genetics
Classification: Likely benign. Last evaluated: 2024-09-23. Review status: criteria provided, single submitter. Criteria: ACMG Guidelines, 2015. Collection method: clinical testing. Allele origin: germline.

All of Us Research Program, National Institutes of Health
Classification: Likely benign for Long QT syndrome. Last evaluated: 2023-12-01. Review status: criteria provided, single submitter. Criteria: ACMG Guidelines, 2015. Collection method: clinical testing. Allele origin: germline. Inheritance: Autosomal dominant inheritance. Observed: 11 variant alleles, 11 heterozygotes.
Comment: This study involves interpretation of variants in research participants for the purpose of population health screening. Participant phenotype was not available at the time of variant classification. Additional details can be found in publication PMID: 35346344, PMCID: PMC8962531

CeGaT Center for Human Genetics Tuebingen
Classification: Likely benign. Last evaluated: 2023-07-01. Review status: criteria provided, single submitter. Criteria: CeGaT Center For Human Genetics Tuebingen Variant Classification Criteria Version 2. Collection method: clinical testing. Allele origin: germline. Affected: yes. Observed: 1 variant allele.
Comment: KCNH2: BP4

Ambry Genetics
Classification: Likely benign for Cardiovascular phenotype. Last evaluated: 2019-05-23. Review status: criteria provided, single submitter. Criteria: Ambry Variant Classification Scheme 2023. Collection method: clinical testing. Allele origin: germline.

Color Diagnostics, LLC DBA Color Health
Classification: Likely benign for Arrhythmia. Last evaluated: 2018-12-16. Review status: criteria provided, single submitter. Criteria: ACMG Guidelines, 2015. Collection method: clinical testing. Allele origin: germline.

GeneDx
Classification: Benign. Last evaluated: 2015-03-03. Review status: criteria provided, single submitter. Criteria: GeneDx Variant Classification Process June 2021. Collection method: clinical testing. Allele origin: germline. Affected: yes.

NM_000238.4(KCNH2):c.1572G>A (p.Leu524=)

Gene: KCNH2 (potassium voltage-gated channel subfamily H member 2; minus strand). Cytogenetic location: 7q36.1.
Variant type: single nucleotide variant.
Coding change: c.1572G>A on transcript NM_000238.4 (MANE Select); coding-DNA position 1572, G replaced by A.
Protein change: p.Leu524=; no amino-acid change (leucine 524 retained).
Molecular consequence: synonymous variant. On other transcripts: non-coding transcript variant (2).
Genome position (GRCh38, 1-based): chr7:150,951,821, C>T on the plus strand (G>A on the coding strand, the complement: KCNH2 is on the minus strand). VCF-style: chr7-150951821-C-T. GRCh37 (hg19) VCF-style: chr7-150648909-C-T.
Other names: c.552G>A, p.Leu184= (NM_001204798.2, NM_172057.3); c.1284G>A, p.Leu428= (NM_001406753.1, NM_001406756.1); c.1395G>A, p.Leu465= (NM_001406755.1); c.1272G>A, p.Leu424= (NM_001406757.1); c.1572G>A, p.Leu524= (NM_172056.3).
Identifiers: ClinVar variation 703246 (VCV000703246.44), dbSNP rs372089646, ClinGen allele CA028824.